The following is an entry in ClinVar:

ClinVar aggregate classification (germline): Uncertain significance. Review status: criteria provided, multiple submitters, no conflicts (2 of 4 stars). 2 submissions from 2 submitters: Uncertain significance (2). Last evaluated 2024-02-03.

Conditions:
Joubert syndrome 17 (JBTS17). Identifiers: Orphanet 475, MedGen C3553264, MONDO:0013824, OMIM 614615.
Orofaciodigital syndrome type 6 (OFD6). Also called: Oral-facial-digital syndrome type 6; Central polydactyly cleft lip/palate or lingual lump and psychomotor retardation; Y-shaped central metacarpal and cerebellar defect; Joubert syndrome with orofacialdigital anomalies; OROFACIODIGITAL SYNDROME VI; OFDS VI. Identifiers: Orphanet 2754, MedGen C2745997, MONDO:0010176, OMIM 277170.

Allele frequency attached by ClinVar (database versions not stated): ExAC 0.00001; gnomAD 0.00001; gnomAD exomes 0.00001; TOPMed 0.00001.
gnomAD v4.1: 9 of 1,609,866 alleles (0.00056%); highest among the groups gnomAD compares: South Asian, 0.0044%; no homozygotes.

Submissions (2):

Fulgent Genetics
Classification: Uncertain significance for Orofaciodigital syndrome type 6; Joubert syndrome 17. Last evaluated: 2024-02-03. Review status: criteria provided, single submitter. Criteria: ACMG Guidelines, 2015. Collection method: clinical testing. Allele origin: germline.

Labcorp Genetics (formerly Invitae), Labcorp
Classification: Uncertain significance. Last evaluated: 2022-03-18. Review status: criteria provided, single submitter. Criteria: Invitae Variant Classification Sherloc (09022015). Collection method: clinical testing. Allele origin: germline.
Comment: This sequence change replaces aspartic acid, which is acidic and polar, with asparagine, which is neutral and polar, at codon 2807 of the CPLANE1 protein (p.Asp2807Asn). The frequency data for this variant in the population databases is considered unreliable, as metrics indicate poor data quality at this position in the gnomAD database. This variant has not been reported in the literature in individuals affected with CPLANE1-related conditions. Advanced modeling of protein sequence and biophysical properties (such as structural, functional, and spatial information, amino acid conservation, physicochemical variation, residue mobility, and thermodynamic stability) performed at Invitae indicates that this missense variant is not expected to disrupt CPLANE1 protein function. In summary, the available evidence is currently insufficient to determine the role of this variant in disease. Therefore, it has been classified as a Variant of Uncertain Significance.

NM_001384732.1(CPLANE1):c.8581G>A (p.Asp2861Asn)

Gene: CPLANE1 (ciliogenesis and planar polarity effector complex subunit 1; minus strand). Cytogenetic location: 5p13.2.
Variant type: single nucleotide variant.
Coding change: c.8581G>A on transcript NM_001384732.1 (MANE Select); coding-DNA position 8581, G replaced by A.
Protein change: p.Asp2861Asn; replaces aspartic acid 2861 with asparagine.
Molecular consequence: missense variant.
Genome position (GRCh38, 1-based): chr5:37,142,361, C>T on the plus strand (G>A on the coding strand, the complement: CPLANE1 is on the minus strand). VCF-style: chr5-37142361-C-T. GRCh37 (hg19) VCF-style: chr5-37142463-C-T.
Other names: c.8419G>A, p.Asp2807Asn (NM_023073.4); c.8419G>A (NM_023073.3); short protein forms D2861N, D2807N.
Identifiers: ClinVar variation 2073338 (VCV002073338.5), dbSNP rs748445168, ClinGen allele CA3237747.